The following is an entry in ClinVar:

ClinVar aggregate classification (germline): Uncertain significance (1 of 4 stars; one submission).

gnomAD v4.1: 30 of 1,169,164 alleles (0.0026%); highest among the groups gnomAD compares: Non-Finnish European, 0.0035%; no homozygotes.

Submission:

Labcorp Genetics (formerly Invitae), Labcorp
Classification: Uncertain significance. Last evaluated: 2024-02-09. Review status: criteria provided, single submitter. Criteria: Invitae Variant Classification Sherloc (09022015). Collection method: clinical testing. Allele origin: germline.
Comment: This sequence change replaces valine, which is neutral and non-polar, with leucine, which is neutral and non-polar, at codon 498 of the HUWE1 protein (p.Val498Leu). This variant is not present in population databases (gnomAD no frequency). This variant has not been reported in the literature in individuals affected with HUWE1-related conditions. An algorithm developed to predict the effect of missense changes on protein structure and function (PolyPhen-2) suggests that this variant is likely to be tolerated. In summary, the available evidence is currently insufficient to determine the role of this variant in disease. Therefore, it has been classified as a Variant of Uncertain Significance.

NM_031407.7(HUWE1):c.1492G>C (p.Val498Leu)

Gene: HUWE1 (HECT, UBA and WWE domain containing E3 ubiquitin protein ligase 1; minus strand). Cytogenetic location: Xp11.22.
Variant type: single nucleotide variant.
Coding change: c.1492G>C on transcript NM_031407.7 (MANE Select); coding-DNA position 1492, G replaced by C.
Protein change: p.Val498Leu; replaces valine 498 with leucine.
Molecular consequence: missense variant.
Genome position (GRCh38, 1-based): chrX:53,625,256, C>G on the plus strand (G>C on the coding strand, the complement: HUWE1 is on the minus strand). VCF-style: chrX-53625256-C-G. GRCh37 (hg19) VCF-style: chrX-53652217-C-G.
Other names: short protein forms V498L.
Identifiers: ClinVar variation 3628336 (VCV003628336.2).